The following is an entry in ClinVar:

ClinVar aggregate classification (germline): Pathogenic (1 of 4 stars; one submission).

Conditions:
Myofibrillar myopathy 5. Also called: Filaminopathy (type); FILAMINOPATHY, AUTOSOMAL DOMINANT. Identifiers: Orphanet 171445, MedGen C1836050, MONDO:0012289, OMIM 609524.
Distal myopathy with posterior leg and anterior hand involvement. Also called: WILLIAMS DISTAL MYOPATHY. Identifiers: Orphanet 63273, MedGen C3279722, MONDO:0013550, OMIM 614065.
Hypertrophic cardiomyopathy 26. Also called: Cardiomyopathy, familial hypertrophic, 26. Identifiers: Orphanet 75249, MedGen C4310749, MONDO:0014883, OMIM 617047.
Dilated Cardiomyopathy, Dominant.

Submission:

Labcorp Genetics (formerly Invitae), Labcorp
Classification: Pathogenic for Distal myopathy with posterior leg and anterior hand involvement; Myofibrillar myopathy 5; Hypertrophic cardiomyopathy 26. Last evaluated: 2022-05-27. Review status: criteria provided, single submitter. Criteria: Invitae Variant Classification Sherloc (09022015). Collection method: clinical testing. Allele origin: germline.
Comment: For these reasons, this variant has been classified as Pathogenic. This variant has not been reported in the literature in individuals affected with FLNC-related conditions. This variant results in the deletion of exons 11-22 and part of exons 10 and 23 (c.1570_4087del) of the FLNC gene. This deletion is out-of-frame, and is expected to create a premature termination codon and result in an absent or disrupted protein product. Loss-of-function variants in FLNC are known to be pathogenic (PMID: 27908349).

Literature cited by the submitters: PubMed 27908349.

NC_000007.13:g.(?_128480619)_(128486474_?)del

Gene: FLNC (filamin C; plus strand). Cytogenetic location: 7q32.1.
Variant type: Deletion.
Identifiers: ClinVar variation 2424178 (VCV002424178.5).